The following is an entry in ClinVar:

NM_000443.4(ABCB4):c.1310C>T (p.Thr437Ile)

Gene: ABCB4 (ATP binding cassette subfamily B member 4; minus strand). Cytogenetic location: 7q21.12.
Variant type: single nucleotide variant.
Coding change: c.1310C>T on transcript NM_000443.4 (MANE Select); coding-DNA position 1310, C replaced by T.
Protein change: p.Thr437Ile; replaces threonine 437 with isoleucine.
Molecular consequence: missense variant.
Genome position (GRCh38, 1-based): chr7:87,443,365, G>A on the plus strand (C>T on the coding strand, the complement: ABCB4 is on the minus strand). VCF-style: chr7-87443365-G-A. GRCh37 (hg19) VCF-style: chr7-87072681-G-A.
Other names: c.1310C>T, p.Thr437Ile (NM_018849.3, NM_018850.3); short protein forms T437I.
Identifiers: ClinVar variation 4846636 (VCV004846636.1).

ClinVar aggregate classification (germline): Uncertain significance (1 of 4 stars; one submission).

Conditions:
Low phospholipid associated cholelithiasis (GBD1). Also called: Gallbladder disease 1; Gallstone cholecystitis. Identifiers: Orphanet 69663, MedGen C2609268, MONDO:0010939, OMIM 600803.

Submission:

Genomenon, Inc
Classification: Uncertain significance for Low phospholipid associated cholelithiasis. Last evaluated: 2026-04-14. Review status: criteria provided, single submitter. Criteria: Genomenon Sequence Variant Interpretation Standards - Updated. Collection method: curation. Allele origin: germline. Affected: yes.
Comment: ABCB4 p.Thr437Ile (c.1310C>T) is a missense variant that changes the amino acid at residue 437 from Threonine to Isoleucine. This variant has been observed in at least one proband with an ABCB4-related disorder (PMID:41274965). At least one functional study has demonstrated a substantial alteration in protein function relative to the wild-type (PMID:41274965). It is absent or not present at a significant frequency in gnomAD. In silico models predict that this variant is possibly or probably damaging. In conclusion, we classify ABCB4 p.Thr437Ile (c.1310C>T) as a variant of uncertain significance.

Literature cited by the submitters: PubMed 41274965.